The following is an entry in ClinVar:

NM_001267550.2(TTN):c.51684G>A (p.Ala17228=)

Genes: TTN (titin; minus strand), TTN-AS1 (TTN antisense RNA 1; plus strand). Cytogenetic location: 2q31.2.
Variant type: single nucleotide variant.
Coding change: c.51684G>A on transcript NM_001267550.2 (MANE Select); coding-DNA position 51684, G replaced by A.
Protein change: p.Ala17228=; no amino-acid change (alanine 17228 retained).
Molecular consequence: synonymous variant.
Genome position (GRCh38, 1-based): chr2:178,609,739, C>T on the plus strand (G>A on the coding strand, the complement: TTN is on the minus strand). VCF-style: chr2-178609739-C-T. GRCh37 (hg19) VCF-style: chr2-179474466-C-T.
Other names: p.A14660A:GCG>GCA; p.Ala14660=; c.46761G>A, p.Ala15587= (NM_001256850.1); c.24489G>A, p.Ala8163= (NM_003319.4); c.43980G>A, p.Ala14660= (NM_133378.4); c.24864G>A, p.Ala8288= (NM_133432.3); c.25065G>A, p.Ala8355= (NM_133437.4).
Identifiers: ClinVar variation 47056 (VCV000047056.38), dbSNP rs2288566, ClinGen allele CA283398.

ClinVar aggregate classification (germline): Benign/Likely benign. Review status: criteria provided, multiple submitters, no conflicts (2 of 4 stars). 24 submissions from 17 submitters: Benign (18); Likely benign (2). 4 of the submissions do not count toward it. Last evaluated 2026-02-04.

Conditions:
Cardiovascular phenotype. Identifiers: MedGen CN230736.
Dilated cardiomyopathy 1G (CMD1G). Identifiers: Orphanet 154, MedGen C1858763, MONDO:0011400, OMIM 604145.
Autosomal recessive limb-girdle muscular dystrophy type 2J (LGMDR10). Also called: MUSCULAR DYSTROPHY, LIMB-GIRDLE, AUTOSOMAL RECESSIVE 10; Limb-girdle muscular dystrophy, type 2J. Identifiers: Orphanet 140922, MedGen C1837342, MONDO:0012127, OMIM 608807.
Early-onset myopathy with fatal cardiomyopathy (CMYO5). Also called: CONGENITAL MYOPATHY 5 WITH CARDIOMYOPATHY; Salih Myopathy. Identifiers: Orphanet 289377, MedGen C2673677, MONDO:0012714, OMIM 611705. Disease mechanism: loss of function.
Myopathy, myofibrillar, 9, with early respiratory failure (MFM9). Also called: Myopathy, distal, with early respiratory failure, autosomal dominant; Hereditary myopathy with early respiratory failure; MYOPATHY, PROXIMAL, WITH EARLY RESPIRATORY MUSCLE INVOLVEMENT; EDSTROM MYOPATHY. Identifiers: Orphanet 178464, Orphanet 34521, MedGen C1863599, MONDO:0011362, OMIM 603689.
Tibial muscular dystrophy (TMD). Also called: Udd Distal Myopathy – Tibial Muscular Dystrophy; Tibial muscular dystrophy, tardive; UDD MYOPATHY. Identifiers: Orphanet 609, MedGen C1838244, MONDO:0010870, OMIM 600334.

Allele frequency attached by ClinVar (database versions not stated): 1000 Genomes Project 30x 0.02748; ExAC 0.02903; gnomAD 0.02107 and 0.02055; ESP Exome Variant Server 0.01585; TOPMed 0.01966; 1000 Genomes Project 0.02995; gnomAD exomes 0.02360 and 0.02861.
gnomAD v4.1: 37,655 of 1,611,852 alleles (2.3%); highest among the groups gnomAD compares: East Asian, 9%; 620 homozygotes.

Submissions (27):

Labcorp Genetics (formerly Invitae), Labcorp
Classification: Benign for Dilated cardiomyopathy 1G; Autosomal recessive limb-girdle muscular dystrophy type 2J. Last evaluated: 2026-02-04. Review status: criteria provided, single submitter. Criteria: Invitae Variant Classification Sherloc (09022015). Collection method: clinical testing. Allele origin: germline.

Molecular Diagnostic Laboratory for Inherited Cardiovascular Disease, Montreal Heart Institute
Classification: Benign. Last evaluated: 2025-04-09. Review status: criteria provided, single submitter. Criteria: ACMG Guidelines, 2015. Collection method: clinical testing. Allele origin: germline. Affected: no.

Genome-Nilou Lab
Classification: Benign for Autosomal recessive limb-girdle muscular dystrophy type 2J. Last evaluated: 2021-09-10. Review status: criteria provided, single submitter. Criteria: ACMG Guidelines, 2015. Collection method: clinical testing. Allele origin: germline. Affected: no.

Genome-Nilou Lab
Classification: Benign for Myopathy, myofibrillar, 9, with early respiratory failure. Last evaluated: 2021-09-10. Review status: criteria provided, single submitter. Criteria: ACMG Guidelines, 2015. Collection method: clinical testing. Allele origin: germline. Affected: no.

Genome-Nilou Lab
Classification: Benign for Early-onset myopathy with fatal cardiomyopathy. Last evaluated: 2021-09-10. Review status: criteria provided, single submitter. Criteria: ACMG Guidelines, 2015. Collection method: clinical testing. Allele origin: germline. Affected: no.

Genome-Nilou Lab
Classification: Benign for Tibial muscular dystrophy. Last evaluated: 2021-09-10. Review status: criteria provided, single submitter. Criteria: ACMG Guidelines, 2015. Collection method: clinical testing. Allele origin: germline. Affected: no.

Women's Health and Genetics/Laboratory Corporation of America, LabCorp
Classification: Benign. Last evaluated: 2020-01-11. Review status: criteria provided, single submitter. Criteria: LabCorp Variant Classification Summary - May 2015. Collection method: clinical testing. Allele origin: germline.

Athena Diagnostics
Classification: Benign. Last evaluated: 2019-01-16. Review status: criteria provided, single submitter. Criteria: Athena Diagnostics Criteria. Collection method: clinical testing. Allele origin: germline.

Illumina Laboratory Services, Illumina
Classification: Likely benign for Dilated cardiomyopathy 1G. Last evaluated: 2018-01-13. Review status: criteria provided, single submitter. Criteria: ICSL Variant Classification Criteria 13 December 2019. Collection method: clinical testing. Allele origin: germline.
Comment: This variant was observed in the ICSL laboratory as part of a predisposition screen in an ostensibly healthy population. It had not been previously curated by ICSL or reported in the Human Gene Mutation Database (HGMD: prior to June 1st, 2018), and was therefore a candidate for classification through an automated scoring system. Utilizing variant allele frequency, disease prevalence and penetrance estimates, and inheritance mode, an automated score was calculated to assess if this variant is too frequent to cause the disease. Based on the score and internal cut-off values, a variant classified as likely benign is not then subjected to further curation. The score for this variant resulted in a classification of likely benign for this disease.

Illumina Laboratory Services, Illumina
Classification: Benign for Autosomal recessive limb-girdle muscular dystrophy type 2J. Last evaluated: 2018-01-13. Review status: criteria provided, single submitter. Criteria: ICSL Variant Classification Criteria 13 December 2019. Collection method: clinical testing. Allele origin: germline.
Comment: This variant was observed in the ICSL laboratory as part of a predisposition screen in an ostensibly healthy population. It had not been previously curated by ICSL or reported in the Human Gene Mutation Database (HGMD: prior to June 1st, 2018), and was therefore a candidate for classification through an automated scoring system. Utilizing variant allele frequency, disease prevalence and penetrance estimates, and inheritance mode, an automated score was calculated to assess if this variant is too frequent to cause the disease. Based on the score and internal cut-off values, a variant classified as benign is not then subjected to further curation. The score for this variant resulted in a classification of benign for this disease.

Illumina Laboratory Services, Illumina
Classification: Benign for Tibial muscular dystrophy. Last evaluated: 2018-01-13. Review status: criteria provided, single submitter. Criteria: ICSL Variant Classification Criteria 13 December 2019. Collection method: clinical testing. Allele origin: germline.
Comment: the same text as in the submission from Illumina Laboratory Services, Illumina above.

Illumina Laboratory Services, Illumina
Classification: Benign for Myopathy, myofibrillar, 9, with early respiratory failure. Last evaluated: 2018-01-13. Review status: criteria provided, single submitter. Criteria: ICSL Variant Classification Criteria 13 December 2019. Collection method: clinical testing. Allele origin: germline.
Comment: the same text as in the submission from Illumina Laboratory Services, Illumina above.

Illumina Laboratory Services, Illumina
Classification: Benign for Early-onset myopathy with fatal cardiomyopathy. Last evaluated: 2018-01-13. Review status: criteria provided, single submitter. Criteria: ICSL Variant Classification Criteria 13 December 2019. Collection method: clinical testing. Allele origin: germline.
Comment: the same text as in the submission from Illumina Laboratory Services, Illumina above.

Mayo Clinic Laboratories, Mayo Clinic
Classification: Benign. Last evaluated: 2017-10-03. Review status: criteria provided, single submitter. Criteria: ACMG Guidelines, 2015. Collection method: clinical testing. Allele origin: germline. Observed: 99 variant alleles.

Genetic Services Laboratory, University of Chicago
Classification: Benign for AllHighlyPenetrant. Last evaluated: 2013-08-15. Review status: criteria provided, single submitter. Criteria: ACMG Guidelines, 2007. Collection method: clinical testing. Allele origin: germline.

GeneDx
Classification: Benign. Last evaluated: 2013-04-29. Review status: criteria provided, single submitter. Criteria: GeneDx Variant Classification (06012015). Collection method: clinical testing. Allele origin: germline. Affected: yes.
Comment: This variant is considered likely benign or benign based on one or more of the following criteria: it is a conservative change, it occurs at a poorly conserved position in the protein, it is predicted to be benign by multiple in silico algorithms, and/or has population frequency not consistent with disease.

Ambry Genetics
Classification: Benign for Cardiovascular phenotype. Last evaluated: 2013-02-04. Review status: criteria provided, single submitter. Criteria: Ambry Autosomal Dominant and X-Linked criteria (10/2015). Collection method: clinical testing. Allele origin: germline. Observed: 1 variant allele.

Laboratory for Molecular Medicine, Mass General Brigham Personalized Medicine
Classification: Benign. Last evaluated: 2012-04-24. Review status: criteria provided, single submitter. Criteria: LMM Criteria. Collection method: clinical testing. Allele origin: germline. Observed: 68 variant alleles.

Breakthrough Genomics
Classification: Likely benign. Review status: criteria provided, single submitter. Criteria: ACMG Guidelines, 2015. Collection method: not provided. Allele origin: germline. Inheritance: Autosomal recessive inheritance. Affected: yes.

PreventionGenetics, part of Exact Sciences
Classification: Benign. Review status: criteria provided, single submitter. Criteria: ACMG Guidelines, 2015. Collection method: clinical testing. Allele origin: germline.

Clinical Genetics DNA and cytogenetics Diagnostics Lab, Erasmus MC, Erasmus Medical Center
Classification: Benign. Review status: no assertion criteria provided. Collection method: clinical testing. Allele origin: germline. Affected: yes. Study: VKGL Data-share Consensus. Not counted in ClinVar's aggregate classification.

Clinical Genetics, Academic Medical Center
Classification: Benign. Review status: no assertion criteria provided. Collection method: clinical testing. Allele origin: germline. Affected: yes. Study: VKGL Data-share Consensus. Not counted in ClinVar's aggregate classification.

Dr. Peter K. Rogan Lab, Western University
No classification provided (evidence only). Condition: Clear cell carcinoma of kidney. Review status: no classification provided. Collection method: in vitro. Allele origin: not applicable. Functional consequence: retained intron. Not counted in ClinVar's aggregate classification.

Dr. Peter K. Rogan Lab, Western University
No classification provided (evidence only). Condition: Melanoma. Review status: no classification provided. Collection method: in vitro. Allele origin: not applicable. Functional consequence: retained intron. Not counted in ClinVar's aggregate classification.

Dr. Peter K. Rogan Lab, Western University
No classification provided (evidence only). Condition: Colon adenocarcinoma. Review status: no classification provided. Collection method: in vitro. Allele origin: not applicable. Functional consequence: retained intron. Not counted in ClinVar's aggregate classification.

Genome Diagnostics Laboratory, University Medical Center Utrecht
Classification: Benign. Review status: no assertion criteria provided. Collection method: clinical testing. Allele origin: germline. Affected: yes. Study: VKGL Data-share Consensus. Not counted in ClinVar's aggregate classification.

Laboratory of Diagnostic Genome Analysis, Leiden University Medical Center (LUMC)
Classification: Likely benign. Review status: no assertion criteria provided. Collection method: clinical testing. Allele origin: germline. Affected: yes. Study: VKGL Data-share Consensus. Not counted in ClinVar's aggregate classification.